The following is an entry in ClinVar:

ClinVar aggregate classification (germline): Likely pathogenic (1 of 4 stars; one submission).

Conditions:
Cohen syndrome (COH1). Also called: PEPPER SYNDROME; Cutis verticis gyrata, retinitis pigmentosa, and sensorineural deafness. Identifiers: Orphanet 193, MedGen C0265223, MONDO:0008999, OMIM 216550.

Submission:

Natera, Inc.
Classification: Likely pathogenic for Cohen syndrome. Last evaluated: 2024-12-22. Review status: criteria provided, single submitter. Criteria: Natera Variant Classification Schema (03/2026). Collection method: clinical testing. Allele origin: germline.
Comment: The c.7918G>T variant in VPS13B is a nonsense variant predicted to introduce a stop codon at amino acid 2640. This variant is expected to result in nonsense mediated decay, truncation, or a dysfunctional protein product. This variant is rare in the general population with a frequency below the threshold expected for the associated phenotype(s). Given the available evidence, this variant is classified as Likely Pathogenic.

NM_152564.5(VPS13B):c.7843G>T (p.Glu2615Ter)

Gene: VPS13B (vacuolar protein sorting 13 homolog B; plus strand). Cytogenetic location: 8q22.2.
Variant type: single nucleotide variant.
Coding change: c.7843G>T on transcript NM_152564.5 (MANE Select); coding-DNA position 7843, G replaced by T.
Protein change: p.Glu2615Ter; replaces glutamic acid 2615 with a stop codon.
Molecular consequence: nonsense.
Genome position (GRCh38, 1-based): chr8:99,784,378, G>T. VCF-style: chr8-99784378-G-T. GRCh37 (hg19) VCF-style: chr8-100796606-G-T.
Other names: c.7918G>T, p.Glu2640Ter (NM_017890.5); short protein forms E2615*, E2640*.
Identifiers: ClinVar variation 4815975 (VCV004815975.1).